The following is an entry in ClinVar:

NM_144666.3(DNHD1):c.6247T>G (p.Trp2083Gly)

Gene: DNHD1 (dynein heavy chain domain 1; plus strand). Cytogenetic location: 11p15.4.
Variant type: single nucleotide variant.
Coding change: c.6247T>G on transcript NM_144666.3 (MANE Select); coding-DNA position 6247, T replaced by G.
Protein change: p.Trp2083Gly; replaces tryptophan 2083 with glycine.
Molecular consequence: missense variant.
Genome position (GRCh38, 1-based): chr11:6,547,186, T>G. VCF-style: chr11-6547186-T-G. GRCh37 (hg19) VCF-style: chr11-6568416-T-G.
Other names: short protein forms W2083G.
Identifiers: ClinVar variation 3370875 (VCV003370875.1).

ClinVar aggregate classification (germline): Uncertain significance (1 of 4 stars; one submission).

gnomAD v4.1: 28 of 1,551,662 alleles (0.0018%); highest among the groups gnomAD compares: African/African-American, 0.037%; no homozygotes.

Submission:

GeneDx
Classification: Uncertain significance. Last evaluated: 2024-03-26. Review status: criteria provided, single submitter. Criteria: GeneDx Variant Classification Process June 2021. Collection method: clinical testing. Allele origin: germline. Affected: yes.
Comment: In silico analysis supports that this missense variant has a deleterious effect on protein structure/function; Has not been previously published as pathogenic or benign to our knowledge; Variants in candidate genes are classified as variants of uncertain significance in accordance with ACMG guidelines (PMID: 25741868)